The following is an entry in ClinVar:

ClinVar aggregate classification (germline): Likely benign. Review status: reviewed by expert panel (3 of 4 stars). 7 submissions from 7 submitters: Likely benign (1). 6 of the submissions do not count toward it. Last evaluated 2017-06-29.

Conditions:
Hereditary cancer-predisposing syndrome. Also called: Tumor predisposition; Hereditary Cancer Syndrome; Hereditary neoplastic syndrome; Neoplastic Syndromes, Hereditary. Identifiers: Orphanet 140162, MedGen C0027672, MeSH D009386, MONDO:0015356.
Hereditary breast ovarian cancer syndrome. Also called: Breast and ovarian cancer; Hereditary breast and ovarian cancer syndrome; Hereditary breast and ovarian cancer; BRCA1- and BRCA2-Associated Hereditary Breast and Ovarian Cancer; Hereditary breast and ovarian cancer syndrome (HBOC); Hereditary breast and/or ovarian cancer syndrome. Identifiers: Orphanet 145, MedGen C0677776, MeSH D061325, MONDO:0003582. Disease mechanism: loss of function.
Breast-ovarian cancer, familial, susceptibility to, 2 (BROVCA2). Also called: BRCA2 Hereditary Breast and Ovarian Cancer. Identifiers: Orphanet 145, MedGen C2675520, MONDO:0012933, OMIM 612555. Disease mechanism: loss of function.
Malignant tumor of breast. Also called: Cancer breast; Malignant breast neoplasm. Identifiers: MedGen C0006142, MONDO:0007254. Disease mechanism: loss of function.

Allele frequency attached by ClinVar (database versions not stated): gnomAD exomes below 0.00001.
gnomAD v4.1: 1 of 1,614,108 alleles (0.000062%); highest among the groups gnomAD compares: Non-Finnish European, 0.000085%; no homozygotes.

Submissions (7):

Evidence-based Network for the Interpretation of Germline Mutant Alleles (ENIGMA)
Classification: Likely benign for Breast-ovarian cancer, familial, susceptibility to, 2. Last evaluated: 2017-06-29. Review status: reviewed by expert panel. Criteria: ENIGMA BRCA1/2 Classification Criteria (2017-06-29). Collection method: curation. Allele origin: germline.
Comment: Synonymous substitution variant, with low bioinformatic likelihood to result in a splicing aberration (Splicing prior probability 0.02).

Labcorp Genetics (formerly Invitae), Labcorp
Classification: Likely benign for Hereditary breast ovarian cancer syndrome. Last evaluated: 2025-03-17. Review status: criteria provided, single submitter. Criteria: Invitae Variant Classification Sherloc (09022015). Collection method: clinical testing. Allele origin: germline. Not counted in ClinVar's aggregate classification.

Women's Health and Genetics/Laboratory Corporation of America, LabCorp
Classification: Likely benign. Last evaluated: 2019-08-21. Review status: criteria provided, single submitter. Criteria: LabCorp Variant Classification Summary - May 2015. Collection method: clinical testing. Allele origin: germline. Not counted in ClinVar's aggregate classification.

GeneDx
Classification: Likely benign. Last evaluated: 2019-02-19. Review status: criteria provided, single submitter. Criteria: GeneDx Variant Classification Process June 2021. Collection method: clinical testing. Allele origin: germline. Affected: yes. Not counted in ClinVar's aggregate classification.

Quest Diagnostics Nichols Institute San Juan Capistrano
Classification: Likely benign. Last evaluated: 2016-11-23. Review status: criteria provided, single submitter. Criteria: Quest Diagnostics criteria. Collection method: clinical testing. Allele origin: germline. Not counted in ClinVar's aggregate classification.

Ambry Genetics
Classification: Likely benign for Hereditary cancer-predisposing syndrome. Last evaluated: 2015-01-14. Review status: criteria provided, single submitter. Criteria: Ambry Variant Classification Scheme 2023. Collection method: clinical testing. Allele origin: germline. Not counted in ClinVar's aggregate classification.

Department of Pathology and Laboratory Medicine, Sinai Health System
Classification: Likely benign for Malignant tumor of breast. Review status: no assertion criteria provided. Collection method: clinical testing. Allele origin: unknown. Affected: yes. Observed: 1 variant allele. Study: The Canadian Open Genetics Repository (COGR). Not counted in ClinVar's aggregate classification.
Comment: The BRCA2 p.Ala737= variant was not identified in the literature nor was it identified in the GeneInsight-COGR, Cosmic, MutDB, LOVD 3.0, UMD-LSDB, BIC Database, ARUP Laboratories, Zhejiang Colon Cancer Database, the 1000 Genomes Project, the NHLBI GO Exome Sequencing Project, the Exome Aggregation Consortium (August 8th 2016), or the Genome Aggregation Database (Feb 27, 2017). The variant was identified in dbSNP (ID: rs587780647) â€šÃ„ÃºWith Likely benign alleleâ€šÃ„Ã¹, ClinVar (classified likely benign, reviewed by an expert panel (2017); submitters: ENIGMA, Quest Diagnostics Nichols Institute San Juan Capistrano, and Ambry Genetics), Clinvitae (2x). The p.Ala737= variant is not expected to have clinical significance because it does not result in a change of amino acid and is not located in a known consensus splice site. In addition, in silico or computational prediction software programs (SpliceSiteFinder, MaxEntScan, NNSPLICE, GeneSplicer, HumanSpliceFinder) do not predict a difference in splicing. In summary, based on the above information the clinical significance of this variant cannot be determined with certainty at this time although we would lean towards a more benign role for this variant. This variant is classified as likely benign.

NM_000059.4(BRCA2):c.2211A>G (p.Ala737=)

Gene: BRCA2 (BRCA2 DNA repair associated; plus strand). Cytogenetic location: 13q13.1.
Variant type: single nucleotide variant.
Coding change: c.2211A>G on transcript NM_000059.4 (MANE Select); coding-DNA position 2211, A replaced by G.
Protein change: p.Ala737=; no amino-acid change (alanine 737 retained).
Molecular consequence: synonymous variant.
Genome position (GRCh38, 1-based): chr13:32,336,566, A>G. VCF-style: chr13-32336566-A-G. GRCh37 (hg19) VCF-style: chr13-32910703-A-G.
Identifiers: ClinVar variation 184287 (VCV000184287.26), dbSNP rs587780647, ClinGen allele CA014614.